The following is an entry in ClinVar:

NM_003859.3(DPM1):c.490_493del (p.Ile164fs)

Genes: DPM1 (dolichyl-phosphate mannosyltransferase subunit 1, catalytic; minus strand), ADNP-AS1 (ADNP antisense RNA 1; plus strand). Cytogenetic location: 20q13.13.
Variant type: Deletion.
Coding change: c.490_493del on transcript NM_003859.3 (MANE Select); coding-DNA positions 490 to 493, 4 bases deleted (ATCA; older notation c.490_493delATCA).
Protein change: p.Ile164fs; shifts the reading frame from isoleucine 164.
Molecular consequence: frameshift variant. On other transcripts: non-coding transcript variant (1).
Genome position (GRCh38, 1-based): chr20:50,942,032-50,942,035, TGAT deleted on the plus strand (ATCA on the coding strand, the reverse complement: DPM1 is on the minus strand); deleting any 4 consecutive bases within chr20:50,942,032-50,942,036 gives the same sequence; the c. name uses the placement nearest the transcript's 3' end. VCF-style (leftmost placement, unchanged base first): chr20-50942031-CTGAT-C. GRCh37 (hg19) VCF-style: chr20-49558568-CTGAT-C.
Other names: c.490_493del, p.Ile164fs (NM_001317034.1, NM_001317035.1, NM_001317036.1); short protein forms I164fs.
Identifiers: ClinVar variation 857465 (VCV000857465.7), dbSNP rs781115721, ClinGen allele CA9909097.

ClinVar aggregate classification (germline): Pathogenic (1 of 4 stars; one submission).

Conditions:
Congenital disorder of glycosylation type 1E (CDG1E). Also called: CDG Ie; CONGENITAL DISORDER OF GLYCOSYLATION, TYPE Ie. Identifiers: Orphanet 79322, MedGen C1837396, MONDO:0012123, OMIM 608799.

Submission:

Labcorp Genetics (formerly Invitae), Labcorp
Classification: Pathogenic for Congenital disorder of glycosylation type 1E. Last evaluated: 2023-02-17. Review status: criteria provided, single submitter. Criteria: Invitae Variant Classification Sherloc (09022015). Collection method: clinical testing. Allele origin: germline.
Comment: For these reasons, this variant has been classified as Pathogenic. This sequence change creates a premature translational stop signal (p.Ile164Alafs*7) in the DPM1 gene. It is expected to result in an absent or disrupted protein product. Loss-of-function variants in DPM1 are known to be pathogenic (PMID: 10642597, 10642602). This variant is present in population databases (rs781115721, gnomAD 0.005%). This variant has not been reported in the literature in individuals affected with DPM1-related conditions. ClinVar contains an entry for this variant (Variation ID: 857465).

Literature cited by the submitters: PubMed 10642597; PubMed 10642602.